The following is an entry in ClinVar:

NM_001363118.2(SLC52A2):c.124C>T (p.Pro42Ser)

Gene: SLC52A2 (solute carrier family 52 member 2; plus strand). Cytogenetic location: 8q24.3.
Variant type: single nucleotide variant.
Coding change: c.124C>T on transcript NM_001363118.2 (MANE Select); coding-DNA position 124, C replaced by T.
Protein change: p.Pro42Ser; replaces proline 42 with serine.
Molecular consequence: missense variant.
Genome position (GRCh38, 1-based): chr8:144,359,417, C>T. VCF-style: chr8-144359417-C-T. GRCh37 (hg19) VCF-style: chr8-145583077-C-T.
Other names: c.124C>T, p.Pro42Ser (NM_001253815.2, NM_001253816.2, NM_001363120.2 and 3 more transcripts); short protein forms P42S.
Identifiers: ClinVar variation 1481381 (VCV001481381.7), dbSNP rs1175039425, ClinGen allele CA372626004.

ClinVar aggregate classification (germline): Uncertain significance (1 of 4 stars; one submission).

Conditions:
Brown-Vialetto-van Laere syndrome 2. Also called: Riboflavin transporter deficiency type 2; SPINOCEREBELLAR ATAXIA WITH BLINDNESS AND DEAFNESS 2. Identifiers: Orphanet 572543, Orphanet 97229, MedGen C3553538, MONDO:0013867, OMIM 614707.

Allele frequency attached by ClinVar (database versions not stated): gnomAD exomes below 0.00001; TOPMed below 0.00001.
gnomAD v4.1: 1 of 1,613,918 alleles (0.000062%); highest among the groups gnomAD compares: Non-Finnish European, 0.000085%; no homozygotes.

Submission:

Labcorp Genetics (formerly Invitae), Labcorp
Classification: Uncertain significance for Brown-Vialetto-van Laere syndrome 2. Last evaluated: 2020-12-30. Review status: criteria provided, single submitter. Criteria: Invitae Variant Classification Sherloc (09022015). Collection method: clinical testing. Allele origin: germline.
Comment: In summary, the available evidence is currently insufficient to determine the role of this variant in disease. Therefore, it has been classified as a Variant of Uncertain Significance. Advanced modeling of protein sequence and biophysical properties (such as structural, functional, and spatial information, amino acid conservation, physicochemical variation, residue mobility, and thermodynamic stability) performed at Invitae indicates that this missense variant is expected to disrupt SLC52A2 protein function. This variant has not been reported in the literature in individuals with SLC52A2-related conditions. This variant is not present in population databases (ExAC no frequency). This sequence change replaces proline with serine at codon 42 of the SLC52A2 protein (p.Pro42Ser). The proline residue is highly conserved and there is a moderate physicochemical difference between proline and serine.